The following is an entry in ClinVar:

ClinVar aggregate classification (germline): Conflicting classifications of pathogenicity. Review status: criteria provided, conflicting classifications (1 of 4 stars). 2 submissions from 2 submitters: Uncertain significance (1); Likely benign (1). Last evaluated 2021-11-16.

Conditions:
Fanconi anemia (FA). Also called: Fanconi's anemia. Identifiers: Orphanet 84, MedGen C0015625, MeSH D005199, MONDO:0019391.

Allele frequency attached by ClinVar (database versions not stated): gnomAD exomes below 0.00001; TOPMed below 0.00001; ExAC 0.00001; gnomAD 0.00001.
gnomAD v4.1: 2 of 1,612,008 alleles (0.00012%); highest among the groups gnomAD compares: East Asian, 0.0045%; no homozygotes.

Submissions (2):

Sema4
Classification: Uncertain significance for Fanconi anemia. Last evaluated: 2021-11-16. Review status: criteria provided, single submitter. Criteria: Sema4 Curation Guidelines. Collection method: curation. Allele origin: germline.
Comment: The FANCA c.2602-8T>C variant has not been reported in the literature to our knowledge. It was observed in 1/18390 chromosomes of the East Asian (EAS) subpopulation in the large and broad cohorts of the Genome Aggregation Database (PMID: 32461654). This variant has not been reported in ClinVar. In silico tools suggest the variant may not have an impact on splicing, though these predictions have not been confirmed by functional studies. The evidence is insufficient to meet ACMG/AMP criteria for classifying the variant as benign or pathogenic. Thus, the clinical significance of this variant is currently uncertain.

Labcorp Genetics (formerly Invitae), Labcorp
Classification: Likely benign for Fanconi anemia. Last evaluated: 2021-10-03. Review status: criteria provided, single submitter. Criteria: Invitae Variant Classification Sherloc (09022015). Collection method: clinical testing. Allele origin: germline.

NM_000135.4(FANCA):c.2602-8T>C

Genes: FANCA (FA complementation group A; minus strand), LOC130059837 (ATAC-STARR-seq lymphoblastoid active region 11420; plus strand). Cytogenetic location: 16q24.3.
Variant type: single nucleotide variant.
Coding change: c.2602-8T>C on transcript NM_000135.4 (MANE Select); 8 bases into the intron before coding-DNA position 2602, T replaced by C.
Molecular consequence: intron variant.
Genome position (GRCh38, 1-based): chr16:89,765,074, A>G on the plus strand (T>C on the coding strand, the complement: FANCA is on the minus strand). VCF-style: chr16-89765074-A-G. GRCh37 (hg19) VCF-style: chr16-89831482-A-G.
Other names: c.2602-8T>C (NM_001286167.3).
Identifiers: ClinVar variation 1568102 (VCV001568102.9), dbSNP rs772897825, ClinGen allele CA8251626.